The following is an entry in ClinVar:

NM_001010870.3(TDRD6):c.693G>A (p.Pro231=)

Gene: TDRD6 (tudor domain containing 6; plus strand). Cytogenetic location: 6p12.3.
Variant type: single nucleotide variant.
Coding change: c.693G>A on transcript NM_001010870.3 (MANE Select); coding-DNA position 693, G replaced by A.
Protein change: p.Pro231=; no amino-acid change (proline 231 retained).
Molecular consequence: synonymous variant.
Genome position (GRCh38, 1-based): chr6:46,688,821, G>A. VCF-style: chr6-46688821-G-A. GRCh37 (hg19) VCF-style: chr6-46656558-G-A.
Other names: c.693G>A, p.Pro231= (NM_001168359.2).
Identifiers: ClinVar variation 2656623 (VCV002656623.24), dbSNP rs199974004, ClinGen allele CA3838758.

ClinVar aggregate classification (germline): Likely benign (1 of 4 stars; one submission).

Allele frequency attached by ClinVar (database versions not stated): gnomAD exomes 0.00003; TOPMed 0.00005; ExAC 0.00007; gnomAD 0.00007; ESP Exome Variant Server 0.00008; 1000 Genomes Project 30x 0.00016; 1000 Genomes Project 0.00020.
gnomAD v4.1: 55 of 1,612,486 alleles (0.0034%); highest among the groups gnomAD compares: East Asian, 0.056%; 2 homozygotes.

Submission:

CeGaT Center for Human Genetics Tuebingen
Classification: Likely benign. Last evaluated: 2023-03-01. Review status: criteria provided, single submitter. Criteria: CeGaT Center For Human Genetics Tuebingen Variant Classification Criteria Version 2. Collection method: clinical testing. Allele origin: germline. Affected: yes. Observed: 1 variant allele.
Comment: TDRD6: BP4, BP7